The following is an entry in ClinVar:

NM_001290060.2(SEMA3B):c.88C>G (p.Arg30Gly)

Gene: SEMA3B (semaphorin 3B; plus strand). Cytogenetic location: 3p21.31.
Variant type: single nucleotide variant.
Coding change: c.88C>G on transcript NM_001290060.2 (MANE Select); coding-DNA position 88, C replaced by G.
Protein change: p.Arg30Gly; replaces arginine 30 with glycine.
Molecular consequence: missense variant.
Genome position (GRCh38, 1-based): chr3:50,269,328, C>G. VCF-style: chr3-50269328-C-G. GRCh37 (hg19) VCF-style: chr3-50306759-C-G.
Other names: c.88C>G, p.Arg30Gly (NM_001005914.3, NM_001290061.1, NM_001435956.1 and 3 more transcripts); short protein forms R30G.
Identifiers: ClinVar variation 4998045 (VCV004998045.1).
Genomic context (GRCh38, chr3:50,269,328, plus strand): 5'-ATCCCGGGCCTGGCCCTGCTCTGGGCAGTGGGGCTGGGGAGTGCCGCCCCCAGCCCCCCA[C>G]GCCTTCGGCTCTCCTTCCAAGGTAGGTGCACCTGGCAGGCGGGAGGGCCCAGCTTGAGGT-3'
Protein context (NP_001276989.1, residues 20-40): GLGSAAPSPP[Arg30Gly]LRLSFQELQA

ClinVar aggregate classification (germline): Uncertain significance (1 of 4 stars; one submission).

Conditions:
SEMA3B-related disorder. Also called: SEMA3B-related condition.

gnomAD v4.1: 4 of 1,512,086 alleles (0.00026%); highest among the groups gnomAD compares: Non-Finnish European, 0.00035%; no homozygotes.

Submission:

PreventionGenetics, part of Exact Sciences
Classification: Uncertain significance for SEMA3B-related condition. Last evaluated: 2026-01-29. Review status: criteria provided, single submitter. Criteria: ACMG Guidelines, 2015. Collection method: clinical testing. Allele origin: germline.
Comment: The SEMA3B c.88C>G variant is predicted to result in the amino acid substitution p.Arg30Gly. To our knowledge, this variant has not been reported in the literature or in a large population database (gnomAD), indicating this variant is rare. At this time, the clinical significance of this variant is uncertain due to the absence of conclusive functional and genetic evidence.